The following is an entry in ClinVar:

NM_000158.4(GBE1):c.1283G>C (p.Gly428Ala)

Gene: GBE1 (1,4-alpha-glucan branching enzyme 1; minus strand). Cytogenetic location: 3p12.2.
Variant type: single nucleotide variant.
Coding change: c.1283G>C on transcript NM_000158.4 (MANE Select); coding-DNA position 1283, G replaced by C.
Protein change: p.Gly428Ala; replaces glycine 428 with alanine.
Molecular consequence: missense variant.
Genome position (GRCh38, 1-based): chr3:81,586,144, C>G on the plus strand (G>C on the coding strand, the complement: GBE1 is on the minus strand). VCF-style: chr3-81586144-C-G. GRCh37 (hg19) VCF-style: chr3-81635295-C-G.
Other names: short protein forms G428A.
Identifiers: ClinVar variation 640979 (VCV000640979.8), dbSNP rs756129254, ClinGen allele CA2499716.

ClinVar aggregate classification (germline): Uncertain significance. Review status: criteria provided, multiple submitters, no conflicts (2 of 4 stars). 4 submissions from 4 submitters: Uncertain significance (3). 1 of the submissions does not count toward it. Last evaluated 2025-03-07.

Conditions:
Glycogen storage disease, type IV (GSD4). Also called: AMYLOPECTINOSIS; ANDERSEN DISEASE; BRANCHER DEFICIENCY; CIRRHOSIS, FAMILIAL, WITH DEPOSITION OF ABNORMAL GLYCOGEN; GBE1 DEFICIENCY; GLYCOGEN BRANCHING ENZYME DEFICIENCY. Identifiers: Orphanet 367, MedGen C0017923, MONDO:0009292, OMIM 232500.
Glycogen storage disease IV, classic hepatic. Also called: GSD IV, CLASSIC HEPATIC. Identifiers: MedGen C1856301.
Inborn genetic diseases. Identifiers: MedGen C0950123, MeSH D030342.

Allele frequency attached by ClinVar (database versions not stated): ExAC 0.00004; gnomAD exomes 0.00006; gnomAD 0.00009; TOPMed 0.00010.
gnomAD v4.1: 169 of 1,609,734 alleles (0.01%); highest among the groups gnomAD compares: Middle Eastern, 0.033%; no homozygotes.

Submissions (4):

Ambry Genetics
Classification: Uncertain significance for Inborn genetic diseases. Last evaluated: 2025-03-07. Review status: criteria provided, single submitter. Criteria: Ambry Variant Classification Scheme 2023. Collection method: clinical testing. Allele origin: germline.

Labcorp Genetics (formerly Invitae), Labcorp
Classification: Uncertain significance for Glycogen storage disease, type IV; Glycogen storage disease IV, classic hepatic. Last evaluated: 2024-12-23. Review status: criteria provided, single submitter. Criteria: Invitae Variant Classification Sherloc (09022015). Collection method: clinical testing. Allele origin: germline.
Comment: This sequence change replaces glycine, which is neutral and non-polar, with alanine, which is neutral and non-polar, at codon 428 of the GBE1 protein (p.Gly428Ala). This variant is present in population databases (rs756129254, gnomAD 0.009%). This variant has not been reported in the literature in individuals affected with GBE1-related conditions. ClinVar contains an entry for this variant (Variation ID: 640979). Invitae Evidence Modeling of protein sequence and biophysical properties (such as structural, functional, and spatial information, amino acid conservation, physicochemical variation, residue mobility, and thermodynamic stability) indicates that this missense variant is expected to disrupt GBE1 protein function with a positive predictive value of 95%. In summary, the available evidence is currently insufficient to determine the role of this variant in disease. Therefore, it has been classified as a Variant of Uncertain Significance.

GeneDx
Classification: Uncertain significance. Last evaluated: 2022-03-14. Review status: criteria provided, single submitter. Criteria: GeneDx Variant Classification Process June 2021. Collection method: clinical testing. Allele origin: germline. Affected: yes.
Comment: Not observed at significant frequency in large population cohorts (gnomAD); In silico analysis supports that this missense variant has a deleterious effect on protein structure/function; Has not been previously published as pathogenic or benign to our knowledge

Natera, Inc.
Classification: Uncertain significance for Glycogen storage disease type IV. Last evaluated: 2020-04-22. Review status: no assertion criteria provided. Collection method: clinical testing. Allele origin: germline. Not counted in ClinVar's aggregate classification.